The following is an entry in ClinVar:

NM_002471.4(MYH6):c.4150C>T (p.Arg1384Trp)

Gene: MYH6 (myosin heavy chain 6; minus strand). Cytogenetic location: 14q11.2.
Variant type: single nucleotide variant.
Coding change: c.4150C>T on transcript NM_002471.4 (MANE Select); coding-DNA position 4150, C replaced by T.
Protein change: p.Arg1384Trp; replaces arginine 1384 with tryptophan.
Molecular consequence: missense variant.
Genome position (GRCh38, 1-based): chr14:23,388,884, G>A on the plus strand (C>T on the coding strand, the complement: MYH6 is on the minus strand). VCF-style: chr14-23388884-G-A. GRCh37 (hg19) VCF-style: chr14-23858093-G-A.
Other names: short protein forms R1384W.
Identifiers: ClinVar variation 407149 (VCV000407149.15), dbSNP rs763926580, ClinGen allele CA7114915.

ClinVar aggregate classification (germline): Uncertain significance. Review status: criteria provided, multiple submitters, no conflicts (2 of 4 stars). 4 submissions from 4 submitters: Uncertain significance (3). 1 of the submissions does not count toward it. Last evaluated 2024-03-01.

Conditions:
Hypertrophic cardiomyopathy 14. Identifiers: MedGen C2750467, MONDO:0013197, OMIM 613251.
Cardiovascular phenotype. Identifiers: MedGen CN230736.
MYH6-related disorder. Also called: MYH6-Related Disorders; MYH6-related condition.

Allele frequency attached by ClinVar (database versions not stated): ExAC 0.00001; gnomAD 0.00001; gnomAD exomes 0.00001; TOPMed 0.00001.
gnomAD v4.1: 32 of 1,613,768 alleles (0.002%); highest among the groups gnomAD compares: Admixed American, 0.0033%; no homozygotes.

Submissions (4):

Labcorp Genetics (formerly Invitae), Labcorp
Classification: Uncertain significance for Hypertrophic cardiomyopathy 14. Last evaluated: 2024-03-01. Review status: criteria provided, single submitter. Criteria: Invitae Variant Classification Sherloc (09022015). Collection method: clinical testing. Allele origin: germline.
Comment: This sequence change replaces arginine, which is basic and polar, with tryptophan, which is neutral and slightly polar, at codon 1384 of the MYH6 protein (p.Arg1384Trp). This variant is present in population databases (rs763926580, gnomAD 0.003%). This variant has not been reported in the literature in individuals affected with MYH6-related conditions. ClinVar contains an entry for this variant (Variation ID: 407149). Advanced modeling of protein sequence and biophysical properties (such as structural, functional, and spatial information, amino acid conservation, physicochemical variation, residue mobility, and thermodynamic stability) performed at Invitae indicates that this missense variant is not expected to disrupt MYH6 protein function with a negative predictive value of 80%. In summary, the available evidence is currently insufficient to determine the role of this variant in disease. Therefore, it has been classified as a Variant of Uncertain Significance.

Ambry Genetics
Classification: Uncertain significance for Cardiovascular phenotype. Last evaluated: 2023-06-21. Review status: criteria provided, single submitter. Criteria: Ambry Variant Classification Scheme 2023. Collection method: clinical testing. Allele origin: germline.
Comment: The p.R1384W variant (also known as c.4150C>T), located in coding exon 27 of the MYH6 gene, results from a C to T substitution at nucleotide position 4150. The arginine at codon 1384 is replaced by tryptophan, an amino acid with dissimilar properties. This amino acid position is highly conserved in available vertebrate species. In addition, this alteration is predicted to be deleterious by in silico analysis. Since supporting evidence is limited at this time, the clinical significance of this alteration remains unclear.

Stanford Center for Inherited Cardiovascular Disease, Stanford University
Classification: Uncertain significance. Last evaluated: 2016-11-16. Review status: criteria provided, single submitter. Criteria: ACMG Guidelines, 2015. Collection method: provider interpretation. Allele origin: germline.

PreventionGenetics, part of Exact Sciences
Classification: Uncertain significance for MYH6-related condition. Last evaluated: 2023-10-19. Review status: no assertion criteria provided. Collection method: clinical testing. Allele origin: germline. Not counted in ClinVar's aggregate classification.
Comment: The MYH6 c.4150C>T variant is predicted to result in the amino acid substitution p.Arg1384Trp. To our knowledge, this variant has not been reported in the literature. This variant is reported in 0.0029% of alleles in individuals of Latino descent in gnomAD. At this time, the clinical significance of this variant is uncertain due to the absence of conclusive functional and genetic evidence.